The following is an entry in ClinVar:

NM_000038.6(APC):c.869G>A (p.Ser290Asn)

Gene: APC (APC regulator of Wnt signaling pathway; plus strand). Cytogenetic location: 5q22.2.
Variant type: single nucleotide variant.
Coding change: c.869G>A on transcript NM_000038.6 (MANE Select); coding-DNA position 869, G replaced by A.
Protein change: p.Ser290Asn; replaces serine 290 with asparagine.
Molecular consequence: missense variant.
Genome position (GRCh38, 1-based): chr5:112,815,529, G>A. VCF-style: chr5-112815529-G-A. GRCh37 (hg19) VCF-style: chr5-112151226-G-A.
Other names: c.869G>A, p.Ser290Asn (NM_001127510.3, NM_001354895.2, NM_001354896.2 and 1 more transcripts); c.815G>A, p.Ser272Asn (NM_001127511.3); c.899G>A, p.Ser300Asn (NM_001354897.2, NM_001354902.2); c.794G>A, p.Ser265Asn (NM_001354898.2, NM_001354904.2); c.785G>A, p.Ser262Asn (NM_001354899.2); c.692G>A, p.Ser231Asn (NM_001354900.2, NM_001354901.2, NM_001354905.2); c.20G>A, p.Ser7Asn (NM_001354906.2); short protein forms S290N, S272N, S265N, S231N, S262N, S7N, S300N.
Identifiers: ClinVar variation 470150 (VCV000470150.18), dbSNP rs776852155, ClinGen allele CA16023219.

ClinVar aggregate classification (germline): Uncertain significance. Review status: criteria provided, multiple submitters, no conflicts (2 of 4 stars). 3 submissions from 3 submitters: Uncertain significance (3). Last evaluated 2025-11-17.

Conditions:
Familial adenomatous polyposis 1 (FAP1). Also called: POLYPOSIS, ADENOMATOUS INTESTINAL; FAMILIAL ADENOMATOUS POLYPOSIS 1, ATTENUATED. Identifiers: MedGen C2713442, MONDO:0021056, OMIM 175100. Disease mechanism: loss of function.
Hereditary cancer-predisposing syndrome. Also called: Hereditary neoplastic syndrome; Neoplastic Syndromes, Hereditary; Tumor predisposition; Hereditary Cancer Syndrome. Identifiers: Orphanet 140162, MedGen C0027672, MeSH D009386, MONDO:0015356.

Allele frequency attached by ClinVar (database versions not stated): gnomAD 0.00001.
gnomAD v4.1: 2 of 1,612,316 alleles (0.00012%); highest among the groups gnomAD compares: African/African-American, 0.0013%; no homozygotes.

Submissions (3):

Labcorp Genetics (formerly Invitae), Labcorp
Classification: Uncertain significance for Familial adenomatous polyposis 1. Last evaluated: 2025-11-17. Review status: criteria provided, single submitter. Criteria: Invitae Variant Classification Sherloc (09022015). Collection method: clinical testing. Allele origin: germline.
Comment: This sequence change replaces serine, which is neutral and polar, with asparagine, which is neutral and polar, at codon 290 of the APC protein (p.Ser290Asn). This variant is not present in population databases (gnomAD no frequency). This variant has not been reported in the literature in individuals affected with APC-related conditions. ClinVar contains an entry for this variant (Variation ID: 470150). Invitae Evidence Modeling of protein sequence and biophysical properties (such as structural, functional, and spatial information, amino acid conservation, physicochemical variation, residue mobility, and thermodynamic stability) indicates that this missense variant is not expected to disrupt APC protein function with a negative predictive value of 95%. In summary, the available evidence is currently insufficient to determine the role of this variant in disease. Therefore, it has been classified as a Variant of Uncertain Significance.

Ambry Genetics
Classification: Uncertain significance for Hereditary cancer-predisposing syndrome. Last evaluated: 2025-03-26. Review status: criteria provided, single submitter. Criteria: Ambry Variant Classification Scheme 2023. Collection method: clinical testing. Allele origin: germline.
Comment: The p.S290N variant (also known as c.869G>A), located in coding exon 8 of the APC gene, results from a G to A substitution at nucleotide position 869. The serine at codon 290 is replaced by asparagine, an amino acid with highly similar properties. Missense alterations in APC are not a common cause of disease (Spier I et al. Genet Med. 2024 Feb;26(2):100992). This amino acid position is well conserved in available vertebrate species. In addition, in silico predictors for this gene do not accurately predict pathogenicity. Since supporting evidence is limited at this time, the clinical significance of this alteration remains unclear.

GeneDx
Classification: Uncertain significance. Last evaluated: 2020-04-01. Review status: criteria provided, single submitter. Criteria: GeneDx Variant Classification Process June 2021. Collection method: clinical testing. Allele origin: germline. Affected: yes.
Comment: Not observed in large population cohorts (Lek 2016); In silico analysis supports that this missense variant does not alter protein structure/function; Has not been previously published as pathogenic or benign to our knowledge